The following is an entry in ClinVar:

NM_000535.7(PMS2):c.124T>G (p.Leu42Val)

Gene: PMS2 (PMS1 homolog 2, mismatch repair system component; minus strand). Cytogenetic location: 7p22.1.
Variant type: single nucleotide variant.
Coding change: c.124T>G on transcript NM_000535.7 (MANE Select); coding-DNA position 124, T replaced by G.
Protein change: p.Leu42Val; replaces leucine 42 with valine.
Molecular consequence: missense variant. On other transcripts: intron variant (3), non-coding transcript variant (1), 5 prime UTR variant (8).
Genome position (GRCh38, 1-based): chr7:6,005,931, A>C on the plus strand (T>G on the coding strand, the complement: PMS2 is on the minus strand). VCF-style: chr7-6005931-A-C. GRCh37 (hg19) VCF-style: chr7-6045562-A-C.
Other names: c.124T>G, p.Leu42Val (NM_001406912.1, NM_001322006.2, NM_001322014.2 and 10 more transcripts); c.-242-1873T>G (NM_001322010.2, NM_001322004.2); c.-52-1873T>G (NM_001322008.2); c.-282T>G (NM_001018040.1, NM_001322003.2, NM_001322005.2 and 11 more transcripts); c.-92T>G (NM_001322007.2, NM_001406876.1, NM_001406883.1 and 4 more transcripts); c.-761T>G (NM_001322011.2, NM_001322012.2); c.-361T>G (NM_001322015.2, NM_001406875.1, NM_001406877.1 and 2 more transcripts); c.310T>G, p.Leu104Val (NM_001406866.1); and 4 more; short protein forms L42V, L104V.
Identifiers: ClinVar variation 1760483 (VCV001760483.3), dbSNP rs35943120, ClinGen allele CA366745019.

ClinVar aggregate classification (germline): Uncertain significance. Review status: criteria provided, multiple submitters, no conflicts (2 of 4 stars). 2 submissions from 2 submitters: Uncertain significance (2). Last evaluated 2022-10-14.

Conditions:
Hereditary cancer-predisposing syndrome. Also called: Neoplastic Syndromes, Hereditary; Tumor predisposition; Hereditary Cancer Syndrome; Hereditary neoplastic syndrome. Identifiers: Orphanet 140162, MedGen C0027672, MeSH D009386, MONDO:0015356.

Allele frequency attached by ClinVar (database versions not stated): gnomAD exomes 0.00001.
gnomAD v4.1: 5 of 1,610,584 alleles (0.00031%); highest among the groups gnomAD compares: Non-Finnish European, 0.00042%; no homozygotes.

Submissions (2):

GeneDx
Classification: Uncertain significance. Last evaluated: 2022-10-14. Review status: criteria provided, single submitter. Criteria: GeneDx Variant Classification Process June 2021. Collection method: clinical testing. Allele origin: germline. Affected: yes.
Comment: Not observed at significant frequency in large population cohorts (gnomAD); In silico analysis supports that this missense variant has a deleterious effect on protein structure/function; Has not been previously published as pathogenic or benign to our knowledge; This variant is associated with the following publications: (PMID: 11574484)

Ambry Genetics
Classification: Uncertain significance for Hereditary cancer-predisposing syndrome. Last evaluated: 2021-05-20. Review status: criteria provided, single submitter. Criteria: Ambry Variant Classification Scheme 2023. Collection method: clinical testing. Allele origin: germline.
Comment: The p.L42V variant (also known as c.124T>G), located in coding exon 2 of the PMS2 gene, results from a T to G substitution at nucleotide position 124. The leucine at codon 42 is replaced by valine, an amino acid with highly similar properties. This amino acid position is highly conserved in available vertebrate species. In addition, this alteration is predicted to be deleterious by in silico analysis. Since supporting evidence is limited at this time, the clinical significance of this alteration remains unclear.